The following is an entry in ClinVar:

NM_001099274.3(TINF2):c.83T>A (p.Val28Glu)

Genes: TINF2 (TERF1 interacting nuclear factor 2; minus strand), LOC130055403 (ATAC-STARR-seq lymphoblastoid active region 8199; plus strand). Cytogenetic location: 14q12.
Variant type: single nucleotide variant.
Coding change: c.83T>A on transcript NM_001099274.3 (MANE Select); coding-DNA position 83, T replaced by A.
Protein change: p.Val28Glu; replaces valine 28 with glutamic acid.
Molecular consequence: missense variant.
Genome position (GRCh38, 1-based): chr14:24,242,250, A>T on the plus strand (T>A on the coding strand, the complement: TINF2 is on the minus strand). VCF-style: chr14-24242250-A-T. GRCh37 (hg19) VCF-style: chr14-24711456-A-T.
Other names: c.83T>A, p.Val28Glu (NM_001363668.2, NM_012461.3); short protein forms V28E.
Identifiers: ClinVar variation 1337860 (VCV001337860.4), dbSNP rs2139004011, ClinGen allele CA389236208.

ClinVar aggregate classification (germline): Uncertain significance (1 of 4 stars; one submission).

Submission:

Genetic Services Laboratory, University of Chicago
Classification: Uncertain significance. Last evaluated: 2021-03-05. Review status: criteria provided, single submitter. Criteria: ACMG Guidelines, 2015. Collection method: clinical testing. Allele origin: germline. Affected: no.
Comment: DNA sequence analysis of the TINF2 gene demonstrated a sequence change, c.83T>A, in exon 1 that results in an amino acid change, p.Val28Glu. This sequence change is absent from known population databases (gnomAD). The p.Val28Glu change affects a highly conserved amino acid residue located in a domain of the TINF2 protein that is not known to be functional. In-silico pathogenicity prediction tools (SIFT, PolyPhen2, Align GVGD, REVEL) provide contradictory results for the p.Val28Glu substitution. This sequence change does not appear to have been previously described in patients with TINF2-related disorders Due to the lack of sufficient evidences, the clinical significance of the p.Val28Glu change remains unknown at this time.